The following is an entry in ClinVar:

ClinVar aggregate classification (germline): Uncertain significance (1 of 4 stars; one submission).

Conditions:
Cardiovascular phenotype. Identifiers: MedGen CN230736.

Allele frequency attached by ClinVar (database versions not stated): gnomAD exomes below 0.00001.
gnomAD v4.1: 1 of 1,610,294 alleles (0.000062%); highest among the groups gnomAD compares: Non-Finnish European, 0.000085%; no homozygotes.

Submission:

Ambry Genetics
Classification: Uncertain significance for Cardiovascular phenotype. Last evaluated: 2023-05-01. Review status: criteria provided, single submitter. Criteria: Ambry Variant Classification Scheme 2023. Collection method: clinical testing. Allele origin: germline.
Comment: The p.V222L variant (also known as c.664G>C), located in coding exon 2 of the NKX2-5 gene, results from a G to C substitution at nucleotide position 664. The valine at codon 222 is replaced by leucine, an amino acid with highly similar properties. This amino acid position is conserved. In addition, the in silico prediction for this alteration is inconclusive. Since supporting evidence is limited at this time, the clinical significance of this alteration remains unclear.

NM_004387.4(NKX2-5):c.664G>C (p.Val222Leu)

Gene: NKX2-5 (NK2 homeobox 5; minus strand). Cytogenetic location: 5q35.1.
Variant type: single nucleotide variant.
Coding change: c.664G>C on transcript NM_004387.4 (MANE Select); coding-DNA position 664, G replaced by C.
Protein change: p.Val222Leu; replaces valine 222 with leucine.
Molecular consequence: missense variant. On other transcripts: 3 prime UTR variant (2).
Genome position (GRCh38, 1-based): chr5:173,232,880, C>G on the plus strand (G>C on the coding strand, the complement: NKX2-5 is on the minus strand). VCF-style: chr5-173232880-C-G. GRCh37 (hg19) VCF-style: chr5-172659883-C-G.
Other names: c.*617G>C (NM_001166175.2); c.*463G>C (NM_001166176.2); short protein forms V222L.
Identifiers: ClinVar variation 2566524 (VCV002566524.2), dbSNP rs2480072325, ClinGen allele CA362161405.